The following is an entry in ClinVar:

NM_006208.3(ENPP1):c.82G>C (p.Gly28Arg)

Gene: ENPP1 (ectonucleotide pyrophosphatase/phosphodiesterase 1; plus strand). Cytogenetic location: 6q23.2.
Variant type: single nucleotide variant.
Coding change: c.82G>C on transcript NM_006208.3 (MANE Select); coding-DNA position 82, G replaced by C.
Protein change: p.Gly28Arg; replaces glycine 28 with arginine.
Molecular consequence: missense variant.
Genome position (GRCh38, 1-based): chr6:131,808,117, G>C. VCF-style: chr6-131808117-G-C. GRCh37 (hg19) VCF-style: chr6-132129257-G-C.
Other names: short protein forms G28R.
Identifiers: ClinVar variation 3593046 (VCV003593046.3).
Genomic context (GRCh38, chr6:131,808,117, plus strand): 5'-GGGGGCGGGAGCCGCGGCGGCGAGGGCGGGCGCGCTCCCCGGGAGGGCCCGGCGGGGAAC[G>C]GCCGCGATCGGGGCCGCAGCCACGCTGCCGAGGCGCCCGGGGACCCGCAGGCGGCCGCGT-3'
Protein context (NP_006199.2, residues 18-38): RAPREGPAGN[Gly28Arg]RDRGRSHAAE

ClinVar aggregate classification (germline): Uncertain significance. Review status: criteria provided, multiple submitters, no conflicts (2 of 4 stars). 2 submissions from 2 submitters: Uncertain significance (2). Last evaluated 2024-11-06.

Conditions:
Hypopigmentation-punctate palmoplantar keratoderma syndrome. Also called: GUTTATE HYPOPIGMENTATION AND PUNCTATE PALMOPLANTAR KERATODERMA WITH OR WITHOUT ECTOPIC CALCIFICATION; Cole disease. Identifiers: Orphanet 324561, MedGen C3809781, MONDO:0014227, OMIM 615522.
Inherited obesity. Also called: Monogenic Obesity. Identifiers: Orphanet 77828, MedGen C4054476, MONDO:0019182, OMIM 601665.
Type 2 diabetes mellitus. Also called: Type II diabetes mellitus. Identifiers: MedGen C0011860, MeSH D003924, MONDO:0005148, OMIM 125853, HP:0005978.
Arterial calcification, generalized, of infancy, 1 (GACI1). Also called: Idiopathic Infantile Arterial Calcification. Identifiers: Orphanet 51608, MedGen C4551985, MONDO:0008817, OMIM 208000.
Hypophosphatemic rickets, autosomal recessive, 2 (ARHR2). Identifiers: Orphanet 289176, MedGen C2750078, MONDO:0013219, OMIM 613312.

Submissions (2):

Labcorp Genetics (formerly Invitae), Labcorp
Classification: Uncertain significance. Last evaluated: 2024-11-06. Review status: criteria provided, single submitter. Criteria: Invitae Variant Classification Sherloc (09022015). Collection method: clinical testing. Allele origin: germline.
Comment: This sequence change replaces glycine, which is neutral and non-polar, with arginine, which is basic and polar, at codon 28 of the ENPP1 protein (p.Gly28Arg). The frequency data for this variant in the population databases is considered unreliable, as metrics indicate insufficient coverage at this position in the gnomAD database. This variant has not been reported in the literature in individuals affected with ENPP1-related conditions. Experimental studies and prediction algorithms are not available or were not evaluated, and the functional significance of this variant is currently unknown. In summary, the available evidence is currently insufficient to determine the role of this variant in disease. Therefore, it has been classified as a Variant of Uncertain Significance.

Fulgent Genetics
Classification: Uncertain significance for Type 2 diabetes mellitus; Arterial calcification, generalized, of infancy, 1; Inherited obesity; Hypophosphatemic rickets, autosomal recessive, 2; Hypopigmentation-punctate palmoplantar keratoderma syndrome. Last evaluated: 2024-02-12. Review status: criteria provided, single submitter. Criteria: ACMG Guidelines, 2015. Collection method: clinical testing. Allele origin: germline.